The following is an entry in ClinVar:

ClinVar aggregate classification (germline): Uncertain significance. Review status: criteria provided, multiple submitters, no conflicts (2 of 4 stars). 2 submissions from 2 submitters: Uncertain significance (2). Last evaluated 2022-05-06.

Conditions:
Early-infantile DEE. Also called: Early infantile epileptic encephalopathy; Ohtahara syndrome; Early infantile epileptic encephalopathy with suppression bursts. Identifiers: Orphanet 1934, MedGen C0393706, MONDO:0800491.

Submissions (2):

Labcorp Genetics (formerly Invitae), Labcorp
Classification: Uncertain significance for Early-infantile DEE. Last evaluated: 2022-05-06. Review status: criteria provided, single submitter. Criteria: Invitae Variant Classification Sherloc (09022015). Collection method: clinical testing. Allele origin: germline.
Comment: In summary, the available evidence is currently insufficient to determine the role of this variant in disease. Therefore, it has been classified as a Variant of Uncertain Significance. Advanced modeling of protein sequence and biophysical properties (such as structural, functional, and spatial information, amino acid conservation, physicochemical variation, residue mobility, and thermodynamic stability) performed at Invitae indicates that this missense variant is expected to disrupt SCN1A protein function. ClinVar contains an entry for this variant (Variation ID: 448256). This variant has not been reported in the literature in individuals affected with SCN1A-related conditions. This sequence change replaces leucine, which is neutral and non-polar, with phenylalanine, which is neutral and non-polar, at codon 1640 of the SCN1A protein (p.Leu1640Phe). This variant is not present in population databases (gnomAD no frequency).

Athena Diagnostics
Classification: Uncertain significance. Last evaluated: 2017-07-21. Review status: criteria provided, single submitter. Criteria: Athena Diagnostics Criteria. Collection method: clinical testing. Allele origin: germline.

NM_001165963.4(SCN1A):c.4918C>T (p.Leu1640Phe)

Genes: SCN1A (sodium voltage-gated channel alpha subunit 1; minus strand), LOC102724058 (uncharacterized LOC102724058; plus strand). Cytogenetic location: 2q24.3.
Variant type: single nucleotide variant.
Coding change: c.4918C>T on transcript NM_001165963.4 (MANE Select); coding-DNA position 4918, C replaced by T.
Protein change: p.Leu1640Phe; replaces leucine 1640 with phenylalanine.
Molecular consequence: missense variant. On other transcripts: non-coding transcript variant (1).
Genome position (GRCh38, 1-based): chr2:165,992,357, G>A on the plus strand (C>T on the coding strand, the complement: SCN1A is on the minus strand). VCF-style: chr2-165992357-G-A. GRCh37 (hg19) VCF-style: chr2-166848867-G-A.
Other names: c.4834C>T, p.Leu1612Phe (NM_001165964.3, NM_001353957.2, NM_001353958.2); c.4918C>T, p.Leu1640Phe (NM_001202435.3, NM_001353948.2); c.4885C>T, p.Leu1629Phe (NM_001353949.2, NM_001353950.2, NM_001353951.2 and 2 more transcripts); c.4882C>T, p.Leu1628Phe (NM_001353954.2, NM_001353955.2); c.4831C>T, p.Leu1611Phe (NM_001353960.2); c.2476C>T, p.Leu826Phe (NM_001353961.2); short protein forms L1629F, L1640F, L826F, L1611F, L1612F, L1628F.
Identifiers: ClinVar variation 448256 (VCV000448256.5), dbSNP rs1553520463, ClinGen allele CA349070244.